The following is an entry in ClinVar:

NM_001287.6(CLCN7):c.46G>T (p.Asp16Tyr)

Genes: CLCN7 (Cl-/H+ antiporter 7; minus strand), LOC130058166 (ATAC-STARR-seq lymphoblastoid silent region 6986; plus strand). Cytogenetic location: 16p13.3.
Variant type: single nucleotide variant.
Coding change: c.46G>T on transcript NM_001287.6 (MANE Select); coding-DNA position 46, G replaced by T.
Protein change: p.Asp16Tyr; replaces aspartic acid 16 with tyrosine.
Molecular consequence: missense variant.
Genome position (GRCh38, 1-based): chr16:1,474,929, C>A on the plus strand (G>T on the coding strand, the complement: CLCN7 is on the minus strand). VCF-style: chr16-1474929-C-A. GRCh37 (hg19) VCF-style: chr16-1524930-C-A.
Other names: c.46G>T (NM_001287.4); c.46G>T, p.Asp16Tyr (NM_001114331.3); short protein forms D16Y.
Identifiers: ClinVar variation 1480564 (VCV001480564.10), dbSNP rs758456856, ClinGen allele CA7810947.

ClinVar aggregate classification (germline): Conflicting classifications of pathogenicity. Review status: criteria provided, conflicting classifications (1 of 4 stars). 2 submissions from 2 submitters: Uncertain significance (1); Likely benign (1). Last evaluated 2025-12-31.

Conditions:
Inborn genetic diseases. Identifiers: MedGen C0950123, MeSH D030342.

Allele frequency attached by ClinVar (database versions not stated): gnomAD 0.00001; TOPMed 0.00001; gnomAD exomes 0.00002 and 0.00004; ExAC 0.00007.
gnomAD v4.1: 46 of 1,480,356 alleles (0.0031%); highest among the groups gnomAD compares: Non-Finnish European, 0.004%; no homozygotes.

Submissions (2):

Ambry Genetics
Classification: Uncertain significance for Inborn genetic diseases. Last evaluated: 2025-12-31. Review status: criteria provided, single submitter. Criteria: Ambry Variant Classification Scheme 2023. Collection method: clinical testing. Allele origin: germline.
Comment: The c.46G>T (p.D16Y) alteration is located in exon 1 (coding exon 1) of the CLCN7 gene. This alteration results from a G to T substitution at nucleotide position 46, causing the aspartic acid (D) at amino acid position 16 to be replaced by a tyrosine (Y). Based on data from gnomAD, the T allele has an overall frequency of 0.002% (3/138574) total alleles studied. The highest observed frequency was 0.009% (1/11520) of African alleles. Based on insufficient or conflicting evidence, the clinical significance of this alteration remains unclear.

Labcorp Genetics (formerly Invitae), Labcorp
Classification: Likely benign. Last evaluated: 2025-09-26. Review status: criteria provided, single submitter. Criteria: Invitae Variant Classification Sherloc (09022015). Collection method: clinical testing. Allele origin: germline.